The following is an entry in ClinVar:

NM_000440.3(PDE6A):c.604_609dup (p.His202_Phe203dup)

Gene: PDE6A (phosphodiesterase 6A; minus strand). Cytogenetic location: 5q32.
Variant type: Duplication.
Coding change: c.604_609dup on transcript NM_000440.3 (MANE Select); coding-DNA positions 604 to 609, 6 bases duplicated (CACTTC; older notation c.604_609dupCACTTC).
Protein change: p.His202_Phe203dup.
Molecular consequence: inframe insertion.
Genome position (GRCh38, 1-based): chr5:149,934,584-149,934,589, GAAGTG duplicated on the plus strand (CACTTC on the coding strand, the reverse complement: PDE6A is on the minus strand); duplicating any 6 consecutive bases within chr5:149,934,584-149,934,590 gives the same sequence; the c. name uses the placement nearest the transcript's 3' end. VCF-style (leftmost placement, unchanged base first): chr5-149934583-T-TGAAGTG. GRCh37 (hg19) VCF-style: chr5-149314146-T-TGAAGTG.
Identifiers: ClinVar variation 1374722 (VCV001374722.3), dbSNP rs1754131396, ClinGen allele CA1590717987.

ClinVar aggregate classification (germline): Uncertain significance (1 of 4 stars; one submission).

Submission:

Labcorp Genetics (formerly Invitae), Labcorp
Classification: Uncertain significance. Last evaluated: 2022-09-27. Review status: criteria provided, single submitter. Criteria: Invitae Variant Classification Sherloc (09022015). Collection method: clinical testing. Allele origin: germline.
Comment: This variant, c.604_609dup, results in the insertion of 2 amino acid(s) of the PDE6A protein (p.His202_Phe203dup), but otherwise preserves the integrity of the reading frame. This variant is not present in population databases (gnomAD no frequency). This variant has not been reported in the literature in individuals affected with PDE6A-related conditions. ClinVar contains an entry for this variant (Variation ID: 1374722). Experimental studies and prediction algorithms are not available or were not evaluated, and the functional significance of this variant is currently unknown. In summary, the available evidence is currently insufficient to determine the role of this variant in disease. Therefore, it has been classified as a Variant of Uncertain Significance.